The following is an entry in ClinVar:

ClinVar aggregate classification (germline): Uncertain significance (1 of 4 stars; one submission).

Allele frequency attached by ClinVar (database versions not stated): gnomAD exomes below 0.00001; gnomAD 0.00001.
gnomAD v4.1: 2 of 1,613,988 alleles (0.00012%); highest among the groups gnomAD compares: Admixed American, 0.0033%; no homozygotes.

Submission:

Labcorp Genetics (formerly Invitae), Labcorp
Classification: Uncertain significance. Last evaluated: 2022-07-19. Review status: criteria provided, single submitter. Criteria: Invitae Variant Classification Sherloc (09022015). Collection method: clinical testing. Allele origin: germline.
Comment: This sequence change replaces serine, which is neutral and polar, with threonine, which is neutral and polar, at codon 860 of the VCAN protein (p.Ser860Thr). This variant is not present in population databases (gnomAD no frequency). This variant has not been reported in the literature in individuals affected with VCAN-related conditions. ClinVar contains an entry for this variant (Variation ID: 1039698). Algorithms developed to predict the effect of missense changes on protein structure and function output the following: SIFT: "Tolerated"; PolyPhen-2: "Benign"; Align-GVGD: "Class C0". The threonine amino acid residue is found in multiple mammalian species, which suggests that this missense change does not adversely affect protein function. In summary, the available evidence is currently insufficient to determine the role of this variant in disease. Therefore, it has been classified as a Variant of Uncertain Significance.

NM_004385.5(VCAN):c.2579G>C (p.Ser860Thr)

Gene: VCAN (versican; plus strand). Cytogenetic location: 5q14.3.
Variant type: single nucleotide variant.
Coding change: c.2579G>C on transcript NM_004385.5 (MANE Select); coding-DNA position 2579, G replaced by C.
Protein change: p.Ser860Thr; replaces serine 860 with threonine.
Molecular consequence: missense variant. On other transcripts: intron variant (2).
Genome position (GRCh38, 1-based): chr5:83,520,885, G>C. VCF-style: chr5-83520885-G-C. GRCh37 (hg19) VCF-style: chr5-82816704-G-C.
Other names: c.2579G>C, p.Ser860Thr (NM_001164098.2); c.1042+8489G>C (NM_001164097.2, NM_001126336.3); short protein forms S860T.
Identifiers: ClinVar variation 1039698 (VCV001039698.8), dbSNP rs931658666, ClinGen allele CA360304234.